The following is an entry in ClinVar:

ClinVar aggregate classification (germline): Uncertain significance. Review status: criteria provided, multiple submitters, no conflicts (2 of 4 stars). 4 submissions from 4 submitters: Uncertain significance (4). Last evaluated 2025-09-17.

Conditions:
Cardiomyopathy (CMYO). Also called: Cardiomyopathies. Identifiers: Orphanet 167848, MedGen C0878544, MONDO:0004994, HP:0001638. Inheritance: Various modes of inheritance.
Cardiovascular phenotype. Identifiers: MedGen CN230736.
Catecholaminergic polymorphic ventricular tachycardia (CVPT). Also called: Catecholamine-induced polymorphic ventricular tachycardia. Identifiers: Orphanet 3286, MedGen C5574922, MONDO:0017990.
Catecholaminergic polymorphic ventricular tachycardia 1. Also called: VENTRICULAR TACHYCARDIA, STRESS-INDUCED POLYMORPHIC 1; VENTRICULAR TACHYCARDIA, CATECHOLAMINERGIC POLYMORPHIC, 1, WITH OR WITHOUT ATRIAL DYSFUNCTION AND/OR DILATED CARDIOMYOPATHY; RYR2-Related Catecholaminergic Polymorphic Ventricular Tachycardia. Identifiers: Orphanet 3286, MedGen C1631597, MONDO:0011484, OMIM 604772.

Allele frequency attached by ClinVar (database versions not stated): gnomAD 0.00001; gnomAD exomes 0.00001; TOPMed 0.00003.
gnomAD v4.1: 14 of 1,507,216 alleles (0.00093%); highest among the groups gnomAD compares: Admixed American, 0.0088%; no homozygotes.

Submissions (4):

Labcorp Genetics (formerly Invitae), Labcorp
Classification: Uncertain significance for Catecholaminergic polymorphic ventricular tachycardia 1. Last evaluated: 2025-09-17. Review status: criteria provided, single submitter. Criteria: Invitae Variant Classification Sherloc (09022015). Collection method: clinical testing. Allele origin: germline.
Comment: This sequence change replaces glutamic acid, which is acidic and polar, with lysine, which is basic and polar, at codon 2715 of the RYR2 protein (p.Glu2715Lys). This variant is present in population databases (rs756472432, gnomAD 0.01%). This variant has not been reported in the literature in individuals affected with RYR2-related conditions. ClinVar contains an entry for this variant (Variation ID: 1171458). Invitae Evidence Modeling of protein sequence and biophysical properties (such as structural, functional, and spatial information, amino acid conservation, physicochemical variation, residue mobility, and thermodynamic stability) has been performed for this missense variant. However, the output from this modeling did not meet the statistical confidence thresholds required to predict the impact of this variant on RYR2 protein function. In summary, the available evidence is currently insufficient to determine the role of this variant in disease. Therefore, it has been classified as a Variant of Uncertain Significance.

Ambry Genetics
Classification: Uncertain significance for Cardiovascular phenotype. Last evaluated: 2025-04-07. Review status: criteria provided, single submitter. Criteria: Ambry Variant Classification Scheme 2023. Collection method: clinical testing. Allele origin: germline.
Comment: The p.E2715K variant (also known as c.8143G>A), located in coding exon 54 of the RYR2 gene, results from a G to A substitution at nucleotide position 8143. The glutamic acid at codon 2715 is replaced by lysine, an amino acid with similar properties. This amino acid position is highly conserved in available vertebrate species. In addition, this alteration is predicted to be deleterious by in silico analysis. Since supporting evidence is limited at this time, the clinical significance of this alteration remains unclear.

All of Us Research Program, National Institutes of Health
Classification: Uncertain significance for Catecholaminergic polymorphic ventricular tachycardia. Last evaluated: 2024-04-25. Review status: criteria provided, single submitter. Criteria: ACMG Guidelines, 2015. Collection method: clinical testing. Allele origin: germline. Inheritance: Autosomal dominant inheritance. Observed: 13 variant alleles, 13 heterozygotes.
Comment: This missense variant replaces glutamic acid with lysine at codon 2715 of the RYR2 protein. Computational prediction is inconclusive regarding the impact of this variant on protein structure and function (internally defined REVEL score threshold 0.5 < inconclusive < 0.7, PMID: 27666373). To our knowledge, functional studies have not been reported for this variant. This variant has not been reported in individuals affected with cardiovascular disorders in the literature. This variant has been identified in 2/133916 chromosomes in the general population by the Genome Aggregation Database (gnomAD). The available evidence is insufficient to determine the role of this variant in disease conclusively. Therefore, this variant is classified as a Variant of Uncertain Significance.

This study involves interpretation of variants in research participants for the purpose of population health screening. Participant phenotype was not available at the time of variant classification. Additional details can be found in publication PMID: 35346344, PMCID: PMC8962531

Color Diagnostics, LLC DBA Color Health
Classification: Uncertain significance for Cardiomyopathy. Last evaluated: 2024-04-16. Review status: criteria provided, single submitter. Criteria: ACMG Guidelines, 2015. Collection method: clinical testing. Allele origin: germline.
Comment: This missense variant replaces glutamic acid with lysine at codon 2715 of the RYR2 protein. Computational prediction is inconclusive regarding the impact of this variant on protein structure and function. To our knowledge, functional studies have not been reported for this variant. This variant has not been reported in individuals affected with cardiovascular disorders in the literature. This variant has been identified in 2/133916 chromosomes in the general population by the Genome Aggregation Database (gnomAD). The available evidence is insufficient to determine the role of this variant in disease conclusively. Therefore, this variant is classified as a Variant of Uncertain Significance.

NM_001035.3(RYR2):c.8143G>A (p.Glu2715Lys)

Gene: RYR2 (ryanodine receptor 2; plus strand). Cytogenetic location: 1q43.
Variant type: single nucleotide variant.
Coding change: c.8143G>A on transcript NM_001035.3 (MANE Select); coding-DNA position 8143, G replaced by A.
Protein change: p.Glu2715Lys; replaces glutamic acid 2715 with lysine.
Molecular consequence: missense variant.
Genome position (GRCh38, 1-based): chr1:237,657,957, G>A. VCF-style: chr1-237657957-G-A. GRCh37 (hg19) VCF-style: chr1-237821257-G-A.
Other names: c.8143G>A (NM_001035.2); short protein forms E2715K.
Identifiers: ClinVar variation 1171458 (VCV001171458.16), dbSNP rs756472432, ClinGen allele CA087571.